The following is an entry in ClinVar:

NM_004560.4(ROR2):c.634A>G (p.Met212Val)

Gene: ROR2 (receptor tyrosine kinase like orphan receptor 2; minus strand). Cytogenetic location: 9q22.31.
Variant type: single nucleotide variant.
Coding change: c.634A>G on transcript NM_004560.4 (MANE Select); coding-DNA position 634, A replaced by G.
Protein change: p.Met212Val; replaces methionine 212 with valine.
Molecular consequence: missense variant.
Genome position (GRCh38, 1-based): chr9:91,733,425, T>C on the plus strand (A>G on the coding strand, the complement: ROR2 is on the minus strand). VCF-style: chr9-91733425-T-C. GRCh37 (hg19) VCF-style: chr9-94495707-T-C.
Other names: c.634A>G, p.Met212Val (NM_001318204.2); short protein forms M212V.
Identifiers: ClinVar variation 1360830 (VCV001360830.6), dbSNP rs2118703110, ClinGen allele CA373801557.

ClinVar aggregate classification (germline): Uncertain significance (1 of 4 stars; one submission).

Allele frequency attached by ClinVar (database versions not stated): gnomAD exomes below 0.00001.
gnomAD v4.1: 1 of 1,611,008 alleles (0.000062%); highest among the groups gnomAD compares: Non-Finnish European, 0.000085%; no homozygotes.

Submission:

Labcorp Genetics (formerly Invitae), Labcorp
Classification: Uncertain significance. Last evaluated: 2021-09-14. Review status: criteria provided, single submitter. Criteria: Invitae Variant Classification Sherloc (09022015). Collection method: clinical testing. Allele origin: germline.
Comment: This sequence change replaces methionine with valine at codon 212 of the ROR2 protein (p.Met212Val). The methionine residue is highly conserved and there is a small physicochemical difference between methionine and valine. This variant is not present in population databases (ExAC no frequency). This variant has not been reported in the literature in individuals affected with ROR2-related conditions. Algorithms developed to predict the effect of missense changes on protein structure and function are either unavailable or do not agree on the potential impact of this missense change (SIFT: "Deleterious"; PolyPhen-2: "Benign"; Align-GVGD: "Class C15"). In summary, the available evidence is currently insufficient to determine the role of this variant in disease. Therefore, it has been classified as a Variant of Uncertain Significance.